The following is an entry in ClinVar:

NM_001904.4(CTNNB1):c.665C>T (p.Ser222Phe)

Genes: CTNNB1 (catenin beta 1; plus strand), LOC126806658 (BRD4-independent group 4 enhancer GRCh37_chr3:41265899-41267098; plus strand). Cytogenetic location: 3p22.1.
Variant type: single nucleotide variant.
Coding change: c.665C>T on transcript NM_001904.4 (MANE Select); coding-DNA position 665, C replaced by T.
Protein change: p.Ser222Phe; replaces serine 222 with phenylalanine.
Molecular consequence: missense variant.
Genome position (GRCh38, 1-based): chr3:41,225,503, C>T. VCF-style: chr3-41225503-C-T. GRCh37 (hg19) VCF-style: chr3-41266994-C-T.
Other names: c.665C>T, p.Ser222Phe (NM_001098209.2, NM_001098210.2, NM_001438871.1 and 4 more transcripts); c.644C>T, p.Ser215Phe (NM_001330729.2); short protein forms S215F, S222F.
Identifiers: ClinVar variation 4727365 (VCV004727365.1).
Genomic context (GRCh38, chr3:41,225,503, plus strand): 5'-TGCAGAATACAAATGATGTAGAAACAGCTCGTTGTACCGCTGGGACCTTGCATAACCTTT[C>T]CCATCATCGTGAGGGCTTACTGGCCATCTTTAAGTCTGGAGGCATTCCTGCCCTGGTGAA-3'
Protein context (NP_001895.1, residues 212-232): RCTAGTLHNL[Ser222Phe]HHREGLLAIF

ClinVar aggregate classification (germline): Uncertain significance (1 of 4 stars; one submission).

Submission:

Labcorp Genetics (formerly Invitae), Labcorp
Classification: Uncertain significance. Last evaluated: 2025-09-08. Review status: criteria provided, single submitter. Criteria: Invitae Variant Classification Sherloc (09022015). Collection method: clinical testing. Allele origin: germline.
Comment: This sequence change replaces serine, which is neutral and polar, with phenylalanine, which is neutral and non-polar, at codon 222 of the CTNNB1 protein (p.Ser222Phe). This variant is not present in population databases (gnomAD no frequency). This variant has not been reported in the literature in individuals affected with CTNNB1-related conditions. Invitae Evidence Modeling of protein sequence and biophysical properties (such as structural, functional, and spatial information, amino acid conservation, physicochemical variation, residue mobility, and thermodynamic stability) indicates that this missense variant is expected to disrupt CTNNB1 protein function with a positive predictive value of 80%. In summary, the available evidence is currently insufficient to determine the role of this variant in disease. Therefore, it has been classified as a Variant of Uncertain Significance.